The following is an entry in ClinVar:

ClinVar aggregate classification (germline): Benign (1 of 4 stars; one submission).

Allele frequency attached by ClinVar (database versions not stated): 1000 Genomes Project 30x 0.80059; 1000 Genomes Project 0.80232; TOPMed 0.80762; gnomAD 0.82218 and 0.82640.
gnomAD v4.1: 125,642 of 152,130 alleles (83%); highest among the groups gnomAD compares: Non-Finnish European, 90%; 52,633 homozygotes.

Submission:

GeneDx
Classification: Benign. Last evaluated: 2018-06-18. Review status: criteria provided, single submitter. Criteria: GeneDx Variant Classification (06012015). Collection method: clinical testing. Allele origin: germline. Affected: yes.
Comment: This variant is considered likely benign or benign based on one or more of the following criteria: it is a conservative change, it occurs at a poorly conserved position in the protein, it is predicted to be benign by multiple in silico algorithms, and/or has population frequency not consistent with disease.

NM_152594.3(SPRED1):c.33-274A>G

Gene: SPRED1 (sprouty related EVH1 domain containing 1; plus strand). Cytogenetic location: 15q14.
Variant type: single nucleotide variant.
Coding change: c.33-274A>G on transcript NM_152594.3 (MANE Select); 274 bases into the intron before coding-DNA position 33, A replaced by G.
Molecular consequence: intron variant.
Genome position (GRCh38, 1-based): chr15:38,299,099, A>G. VCF-style: chr15-38299099-A-G. GRCh37 (hg19) VCF-style: chr15-38591300-A-G.
Identifiers: ClinVar variation 561830 (VCV000561830.1), dbSNP rs10220731, ClinGen allele CA14130287.